The following is an entry in ClinVar:

ClinVar aggregate classification (germline): Likely benign (0 of 4 stars; one submission).

Conditions:
MYO18B-related disorder. Also called: MYO18B-related condition.

Submission:

PreventionGenetics, part of Exact Sciences
Classification: Likely benign for MYO18B-related condition. Last evaluated: 2023-03-28. Review status: no assertion criteria provided. Collection method: clinical testing. Allele origin: germline.
Comment: This variant is classified as likely benign based on ACMG/AMP sequence variant interpretation guidelines (Richards et al. 2015 PMID: 25741868, with internal and published modifications).

NM_032608.7(MYO18B):c.3579G>A (p.Arg1193=)

Gene: MYO18B (myosin XVIIIB; plus strand). Cytogenetic location: 22q12.1.
Variant type: single nucleotide variant.
Coding change: c.3579G>A on transcript NM_032608.7 (MANE Select); coding-DNA position 3579, G replaced by A.
Protein change: p.Arg1193=; no amino-acid change (arginine 1193 retained).
Molecular consequence: synonymous variant.
Genome position (GRCh38, 1-based): chr22:25,847,456, G>A. VCF-style: chr22-25847456-G-A. GRCh37 (hg19) VCF-style: chr22-26243423-G-A.
Other names: c.3582G>A, p.Arg1194= (NM_001318245.2).
Identifiers: ClinVar variation 3047914 (VCV003047914.2), dbSNP rs2517591448, ClinGen allele CA513904984.